The following is an entry in ClinVar:

NM_001378615.1(CC2D2A):c.247+409C>T

Genes: CC2D2A (coiled-coil and C2 domain containing 2A; plus strand), FBXL5 (F-box and leucine rich repeat protein 5; minus strand). Cytogenetic location: 4p15.32.
Variant type: single nucleotide variant.
Coding change: c.247+409C>T on transcript NM_001378615.1 (MANE Select); 409 bases into the intron after coding-DNA position 247, C replaced by T.
Molecular consequence: intron variant. On other transcripts: missense variant (1), 3 prime UTR variant (1).
Genome position (GRCh38, 1-based): chr4:15,481,236, C>T. VCF-style: chr4-15481236-C-T. GRCh37 (hg19) VCF-style: chr4-15482860-C-T.
Other names: c.287C>T, p.Thr96Met (NM_001164720.3); c.*24C>T (NM_020785.2); c.247+409C>T (NM_001080522.2); c.100+409C>T (NM_001378617.1); short protein forms T96M.
Identifiers: ClinVar variation 3358161 (VCV003358161.2).

ClinVar aggregate classification (germline): Uncertain significance (1 of 4 stars; one submission).

Conditions:
CC2D2A-related disorder. Also called: CC2D2A-related disorders; CC2D2A-related condition. Identifiers: MedGen CN239313.

gnomAD v4.1: 95 of 454,950 alleles (0.021%); highest among the groups gnomAD compares: Admixed American, 0.066%; no homozygotes.

Submission:

PreventionGenetics, part of Exact Sciences
Classification: Uncertain significance for CC2D2A-related condition. Last evaluated: 2026-05-11. Review status: criteria provided, single submitter. Criteria: ACMG Guidelines, 2015. Collection method: clinical testing. Allele origin: germline.
Comment: The CC2D2A c.287C>T variant is predicted to result in the amino acid substitution p.Thr96Met. To our knowledge, this variant has not been reported in the literature. This variant is reported in 0.036% of alleles in individuals of Latino descent in gnomAD. At this time, the clinical significance of this variant is uncertain due to the absence of conclusive functional and genetic evidence.